The following is an entry in ClinVar:

NM_022098.4(XPNPEP3):c.*2762T>C

Gene: XPNPEP3 (X-prolyl aminopeptidase 3; plus strand). Cytogenetic location: 22q13.2.
Variant type: single nucleotide variant.
Coding change: c.*2762T>C on transcript NM_022098.4 (MANE Select); 2762 bases downstream of the stop codon, T replaced by C.
Molecular consequence: 3 prime UTR variant.
Genome position (GRCh38, 1-based): chr22:40,929,197, T>C. VCF-style: chr22-40929197-T-C. GRCh37 (hg19) VCF-style: chr22-41325201-T-C.
Identifiers: ClinVar variation 341717 (VCV000341717.5), dbSNP rs181614337, ClinGen allele CA10654144.
Genomic context (GRCh38, chr22:40,929,197, plus strand): 5'-TGTAATCCAGGAATAAGGAATTTCCTTTTCTTCTTGTATCATTTTCTTTTCTTTTCTTTT[T>C]TTTTTTTTTTTTGAGACGGAGTCTCACACTGTCACCGGGGCTGGTGTGCAATAGCGAGAC-3'

ClinVar aggregate classification (germline): Likely benign (1 of 4 stars; one submission).

Conditions:
Nephronophthisis-like nephropathy 1 (NPHPL1). Identifiers: Orphanet 655, MedGen C3150419, MONDO:0013163, OMIM 613159.

Allele frequency attached by ClinVar (database versions not stated): 1000 Genomes Project 0.01178; gnomAD 0.01220 and 0.01314; TOPMed 0.01481.
gnomAD v4.1: 1,809 of 149,646 alleles (1.2%); highest among the groups gnomAD compares: African/African-American, 4%; 33 homozygotes.

Submission:

Illumina Laboratory Services, Illumina
Classification: Likely benign for Nephronophthisis-like nephropathy 1. Last evaluated: 2017-04-27. Review status: criteria provided, single submitter. Criteria: ICSL Variant Classification Criteria 13 December 2019. Collection method: clinical testing. Allele origin: germline.
Comment: This variant was observed as part of a predisposition screen in an ostensibly healthy population. A literature search was performed for the gene, cDNA change, and amino acid change (where applicable). No publications were found based on this search. Allele frequency data from public databases allowed determination this variant is unlikely to cause disease. Therefore, this variant is classified as likely benign.